The following is an entry in ClinVar:

ClinVar aggregate classification (germline): Likely benign (1 of 4 stars; one submission).

Submission:

CeGaT Center for Human Genetics Tuebingen
Classification: Likely benign. Last evaluated: 2026-10-01. Review status: criteria provided, single submitter. Criteria: CeGaT Center For Human Genetics Tuebingen Variant Classification Criteria Version 2. Collection method: clinical testing. Allele origin: germline. Affected: yes. Observed: 2 variant alleles.
Comment: HOXA13: PM2:Supporting, BP4, BP7

NM_000522.5(HOXA13):c.237G>C (p.Ala79=)

Genes: HOXA13 (homeobox A13; minus strand), LOC107126288 (NUP98-HOXA13 recombination region; plus strand). Cytogenetic location: 7p15.2.
Variant type: single nucleotide variant.
Coding change: c.237G>C on transcript NM_000522.5 (MANE Select); coding-DNA position 237, G replaced by C.
Protein change: p.Ala79=; no amino-acid change (alanine 79 retained).
Molecular consequence: synonymous variant.
Genome position (GRCh38, 1-based): chr7:27,199,841, C>G on the plus strand (G>C on the coding strand, the complement: HOXA13 is on the minus strand). VCF-style: chr7-27199841-C-G. GRCh37 (hg19) VCF-style: chr7-27239460-C-G.
Identifiers: ClinVar variation 4681507 (VCV004681507.5).
Genomic context (GRCh38, chr7:27,199,841, plus strand): 5'-TGGCGCCAAGGGCGCCGGGTGCGCCATCAGGTTGCGGCACTGGTTGGCCGCGGCCGCCGC[C>G]GCAGCCGCGGCCGCCGCCGCCACCGAGAAGTTGCCCCCTGCCGCCGCAGCCGCCGGGTGG-3'
Protein context (NP_000513.2, residues 69-89): NFSVAAAAAA[Ala79=]AAAAANQCRN